The following is an entry in ClinVar:

ClinVar aggregate classification (germline): Likely benign (1 of 4 stars; one submission).

gnomAD v4.1: 6 of 1,602,440 alleles (0.00037%); highest among the groups gnomAD compares: Admixed American, 0.005%; no homozygotes.

Submission:

CeGaT Center for Human Genetics Tuebingen
Classification: Likely benign. Last evaluated: 2023-04-01. Review status: criteria provided, single submitter. Criteria: CeGaT Center For Human Genetics Tuebingen Variant Classification Criteria Version 2. Collection method: clinical testing. Allele origin: germline. Affected: yes. Observed: 1 variant allele.
Comment: CDKN2B: BP4, BP7

NM_004936.4(CDKN2B):c.408G>C (p.Thr136=)

Genes: CDKN2B (cyclin dependent kinase inhibitor 2B; minus strand), CDKN2B-AS1 (CDKN2B and CDKN2A antisense cis and trans regulatory RNA 1; plus strand). Cytogenetic location: 9p21.3.
Variant type: single nucleotide variant.
Coding change: c.408G>C on transcript NM_004936.4 (MANE Select); coding-DNA position 408, G replaced by C.
Protein change: p.Thr136=; no amino-acid change (threonine 136 retained).
Molecular consequence: synonymous variant. On other transcripts: 3 prime UTR variant (1).
Genome position (GRCh38, 1-based): chr9:22,005,996, C>G on the plus strand (G>C on the coding strand, the complement: CDKN2B is on the minus strand). VCF-style: chr9-22005996-C-G. GRCh37 (hg19) VCF-style: chr9-22005995-C-G.
Other names: c.*294G>C (NM_078487.2).
Identifiers: ClinVar variation 2659130 (VCV002659130.24), dbSNP rs750528782, ClinGen allele CA464261905.
Genomic context (GRCh38, chr9:22,005,996, plus strand): 5'-GGAAATTGGGTAAGAAAATAAAGTCGTTGTGGGCGGCTGGGGAACCTGGCGTCAGTCCCC[C>G]GTGGCTGTGCGCAGGTACCCTGCAACGTCGCGGTGGCCCCGCTCCTCGGCCAAGTCCACG-3'
Protein context (NP_004927.2, residues 126-138): RDVAGYLRTA[Thr136=]GD